The following is an entry in ClinVar:

NM_005982.4(SIX1):c.371G>C (p.Gly124Ala)

Gene: SIX1 (SIX homeobox 1; minus strand). Cytogenetic location: 14q23.1.
Variant type: single nucleotide variant.
Coding change: c.371G>C on transcript NM_005982.4 (MANE Select); coding-DNA position 371, G replaced by C.
Protein change: p.Gly124Ala; replaces glycine 124 with alanine.
Molecular consequence: missense variant.
Genome position (GRCh38, 1-based): chr14:60,648,819, C>G on the plus strand (G>C on the coding strand, the complement: SIX1 is on the minus strand). VCF-style: chr14-60648819-C-G. GRCh37 (hg19) VCF-style: chr14-61115537-C-G.
Other names: c.371G>C, p.Gly124Ala (NM_001425142.1); short protein forms G124A.
Identifiers: ClinVar variation 3344493 (VCV003344493.1).

ClinVar aggregate classification (germline): Uncertain significance (0 of 4 stars; one submission).

Conditions:
SIX1-related disorder. Also called: SIX1-related condition.

Submission:

PreventionGenetics, part of Exact Sciences
Classification: Uncertain significance for SIX1-related condition. Last evaluated: 2024-09-20. Review status: no assertion criteria provided. Collection method: clinical testing. Allele origin: germline.
Comment: The SIX1 c.371G>C variant is predicted to result in the amino acid substitution p.Gly124Ala. To our knowledge, this variant has not been reported in the literature or in a large population database, indicating this variant is rare. At this time, the clinical significance of this variant is uncertain due to the absence of conclusive functional and genetic evidence.